The following is an entry in ClinVar:

NM_014141.6(CNTNAP2):c.1778-239A>G

Gene: CNTNAP2 (contactin associated protein 2; plus strand). Cytogenetic location: 7q35.
Variant type: single nucleotide variant.
Coding change: c.1778-239A>G on transcript NM_014141.6 (MANE Select); 239 bases into the intron before coding-DNA position 1778, A replaced by G.
Molecular consequence: intron variant.
Genome position (GRCh38, 1-based): chr7:147,561,899, A>G. VCF-style: chr7-147561899-A-G. GRCh37 (hg19) VCF-style: chr7-147258991-A-G.
Identifiers: ClinVar variation 679930 (VCV000679930.1), dbSNP rs4615480, ClinGen allele CA168744523.
Genomic context (GRCh38, chr7:147,561,899, plus strand): 5'-TTGTTTTCAATGATCATGAGCCCCAGTAAAATAAAAATTACATTTATTTAAGGATTGATT[A>G]TTTTAGTCTTTTCCCCAACATAAAGTCATACCAGGAGCTTGCTGTCTTTGGTAGGTCAGG-3'

ClinVar aggregate classification (germline): Benign (1 of 4 stars; one submission).

Allele frequency attached by ClinVar (database versions not stated): gnomAD 0.46950 and 0.47006; TOPMed 0.47353; 1000 Genomes Project 0.50140; 1000 Genomes Project 30x 0.50297.
gnomAD v4.1: 71,528 of 152,074 alleles (47%); highest among the groups gnomAD compares: East Asian, 61%; 17,006 homozygotes.

Submission:

GeneDx
Classification: Benign. Last evaluated: 2018-06-14. Review status: criteria provided, single submitter. Criteria: GeneDx Variant Classification (06012015). Collection method: clinical testing. Allele origin: germline. Affected: yes.
Comment: This variant is considered likely benign or benign based on one or more of the following criteria: it is a conservative change, it occurs at a poorly conserved position in the protein, it is predicted to be benign by multiple in silico algorithms, and/or has population frequency not consistent with disease.